The following is an entry in ClinVar:

ClinVar aggregate classification (germline): Pathogenic (1 of 4 stars; one submission).

Conditions:
Glycogen storage disease type III (GSD3). Also called: FORBES DISEASE; Cori disease. Identifiers: Orphanet 366, MedGen C0017922, MONDO:0009291, OMIM 232400.

Submission:

Myriad Genetics, Inc.
Classification: Pathogenic for Glycogen storage disease type III. Last evaluated: 2025-11-10. Review status: criteria provided, single submitter. Criteria: Myriad Autosomal Dominant, Autosomal Recessive and X-Linked Classification Criteria (2023). Collection method: clinical testing. Allele origin: unknown.
Comment: NM_000642.2(AGL):c.1953T>A(C651*) is expected to be pathogenic in the context of glycogen storage disease type III. This variant is predicted to lead to an abnormal or absent protein product due to the creation of a premature termination codon in AGL, a gene where loss-of-function variants are known to be pathogenic. Please note: this variant was assessed in the context of healthy population screening.

NM_000642.3(AGL):c.1953T>A (p.Cys651Ter)

Gene: AGL (amylo-alpha-1,6-glucosidase and 4-alpha-glucanotransferase; plus strand). Cytogenetic location: 1p21.2.
Variant type: single nucleotide variant.
Coding change: c.1953T>A on transcript NM_000642.3 (MANE Select); coding-DNA position 1953, T replaced by A.
Protein change: p.Cys651Ter; replaces cysteine 651 with a stop codon.
Molecular consequence: nonsense.
Genome position (GRCh38, 1-based): chr1:99,881,129, T>A. VCF-style: chr1-99881129-T-A. GRCh37 (hg19) VCF-style: chr1-100346685-T-A.
Other names: c.1953T>A, p.Cys651Ter (NM_000028.3, NM_000643.3, NM_000644.3 and 2 more transcripts); c.1905T>A, p.Cys635Ter (NM_000646.3); c.1752T>A, p.Cys584Ter (NM_001425327.1); c.1749T>A, p.Cys583Ter (NM_001425328.1, NM_001425329.1); c.1575T>A, p.Cys525Ter (NM_001425332.1); short protein forms C525*, C583*, C584*, C635*, C651*.
Identifiers: ClinVar variation 5015197 (VCV005015197.1).
Genomic context (GRCh38, chr1:99,881,129, plus strand): 5'-CTTCTAGCATAGATCAGCGTATGATGCTCTTCCAAGTACTACAATTGTTTCTATGGCATG[T>A]TGTGCTAGTGGAAGTACAAGAGGCTATGATGAATTAGTGCCTCATCAGGTTTGTTTATAT-3'